The following is an entry in ClinVar:

ClinVar aggregate classification (germline): Likely benign. Review status: criteria provided, multiple submitters, no conflicts (2 of 4 stars). 2 submissions from 2 submitters: Likely benign (2). Last evaluated 2023-12-16.

Conditions:
Inborn genetic diseases. Identifiers: MedGen C0950123, MeSH D030342.

Allele frequency attached by ClinVar (database versions not stated): gnomAD exomes 0.00003 and 0.00010; ExAC 0.00014; 1000 Genomes Project 30x 0.00016; 1000 Genomes Project 0.00020; TOPMed 0.00034; gnomAD 0.00036 and 0.00039; ESP Exome Variant Server 0.00046.
gnomAD v4.1: 96 of 1,604,936 alleles (0.006%); highest among the groups gnomAD compares: African/African-American, 0.12%; no homozygotes.

Submissions (2):

Ambry Genetics
Classification: Likely benign for Inborn genetic diseases. Last evaluated: 2023-12-16. Review status: criteria provided, single submitter. Criteria: Ambry Variant Classification Scheme 2023. Collection method: clinical testing. Allele origin: germline.

Laboratorio de Genetica e Diagnostico Molecular, Hospital Israelita Albert Einstein
Classification: Likely benign. Last evaluated: 2020-06-02. Review status: criteria provided, single submitter. Criteria: ACMG Guidelines, 2015. Collection method: clinical testing. Allele origin: germline. Affected: yes.
Comment: ACMG classification criteria: BS1, BP4

NM_014991.6(WDFY3):c.7771A>G (p.Ile2591Val)

Gene: WDFY3 (WD repeat and FYVE domain containing 3; minus strand). Cytogenetic location: 4q21.23.
Variant type: single nucleotide variant.
Coding change: c.7771A>G on transcript NM_014991.6 (MANE Select); coding-DNA position 7771, A replaced by G.
Protein change: p.Ile2591Val; replaces isoleucine 2591 with valine.
Molecular consequence: missense variant.
Genome position (GRCh38, 1-based): chr4:84,717,000, T>C on the plus strand (A>G on the coding strand, the complement: WDFY3 is on the minus strand). VCF-style: chr4-84717000-T-C. GRCh37 (hg19) VCF-style: chr4-85638153-T-C.
Other names: c.7771A>G (NM_014991.4); short protein forms I2591V.
Identifiers: ClinVar variation 1690887 (VCV001690887.3), dbSNP rs145655367, ClinGen allele CA2992546.
Genomic context (GRCh38, chr4:84,717,000, plus strand): 5'-ATGCAAAAATGCTGCATGTTCTCTTGAGTTGACTAGGGCCTTGCCTGGCTCCTCTAGGAA[T>C]AATAGGCTCATGCATACTACAGGCAGCCAAGAGAAAAAGCAAATAAAAACACAGCAAGGG-3'
Protein context (NP_055806.2, residues 2581-2601): TLPPNMHEPI[Ile2591Val]PRGARQGPSQ